The following is an entry in ClinVar:

ClinVar aggregate classification (germline): Uncertain significance. Review status: criteria provided, multiple submitters, no conflicts (2 of 4 stars). 3 submissions from 3 submitters: Uncertain significance (3). Last evaluated 2024-09-23.

Conditions:
Cardiomyopathy (CMYO). Also called: Cardiomyopathies. Identifiers: Orphanet 167848, MedGen C0878544, MONDO:0004994, HP:0001638. Inheritance: Various modes of inheritance.
Hypertrophic cardiomyopathy. Also called: HYPERTROPHIC MYOCARDIOPATHY. Identifiers: Orphanet 217569, MedGen C0007194, MeSH D002312, MONDO:0005045, HP:0001639.

Allele frequency attached by ClinVar (database versions not stated): gnomAD 0.00001; gnomAD exomes 0.00001; TOPMed 0.00001; ExAC 0.00002.
gnomAD v4.1: 12 of 1,605,696 alleles (0.00075%); highest among the groups gnomAD compares: South Asian, 0.0044%; no homozygotes.

Submissions (3):

All of Us Research Program, National Institutes of Health
Classification: Uncertain significance for Hypertrophic cardiomyopathy. Last evaluated: 2024-09-23. Review status: criteria provided, single submitter. Criteria: ACMG Guidelines, 2015. Collection method: clinical testing. Allele origin: germline. Inheritance: Autosomal dominant inheritance. Observed: 1 variant allele, 1 heterozygote.
Comment: This study involves interpretation of variants in research participants for the purpose of population health screening. Participant phenotype was not available at the time of variant classification. Additional details can be found in publication PMID: 35346344, PMCID: PMC8962531

Color Diagnostics, LLC DBA Color Health
Classification: Uncertain significance for Cardiomyopathy. Last evaluated: 2024-08-05. Review status: criteria provided, single submitter. Criteria: ACMG Guidelines, 2015. Collection method: clinical testing. Allele origin: germline.
Comment: This missense variant replaces arginine with histidine at codon 215 of the MYBPC3 protein. Computational prediction tools indicate that this variant has a deleterious impact on protein structure and function. To our knowledge, functional studies have not been reported for this variant. This variant has been reported in an individual affected with dilated cardiomyopathy (PMID: 32880476). This variant has been identified in 2/240770 chromosomes in the general population by the Genome Aggregation Database (gnomAD). The available evidence is insufficient to determine the role of this variant in disease conclusively. Therefore, this variant is classified as a Variant of Uncertain Significance.

Labcorp Genetics (formerly Invitae), Labcorp
Classification: Uncertain significance for Hypertrophic cardiomyopathy. Last evaluated: 2024-08-01. Review status: criteria provided, single submitter. Criteria: Invitae Variant Classification Sherloc (09022015). Collection method: clinical testing. Allele origin: germline.
Comment: This sequence change replaces arginine, which is basic and polar, with histidine, which is basic and polar, at codon 215 of the MYBPC3 protein (p.Arg215His). The frequency data for this variant in the population databases is considered unreliable, as metrics indicate poor data quality at this position in the gnomAD database. This missense change has been observed in individual(s) with dilated cardiomyopathy (PMID: 32880476). ClinVar contains an entry for this variant (Variation ID: 1973747). An algorithm developed to predict the effect of missense changes on protein structure and function (PolyPhen-2) suggests that this variant is likely to be disruptive. In summary, the available evidence is currently insufficient to determine the role of this variant in disease. Therefore, it has been classified as a Variant of Uncertain Significance.

Literature cited by the submitters: PubMed 32880476 (cited by Color Diagnostics, LLC DBA Color Health and Labcorp Genetics (formerly Invitae), Labcorp).

NM_000256.3(MYBPC3):c.644G>A (p.Arg215His)

Gene: MYBPC3 (myosin binding protein C3; minus strand). Cytogenetic location: 11p11.2.
Variant type: single nucleotide variant.
Coding change: c.644G>A on transcript NM_000256.3 (MANE Select); coding-DNA position 644, G replaced by A.
Protein change: p.Arg215His; replaces arginine 215 with histidine.
Molecular consequence: missense variant.
Genome position (GRCh38, 1-based): chr11:47,349,784, C>T on the plus strand (G>A on the coding strand, the complement: MYBPC3 is on the minus strand). VCF-style: chr11-47349784-C-T. GRCh37 (hg19) VCF-style: chr11-47371335-C-T.
Other names: short protein forms R215H.
Identifiers: ClinVar variation 1973747 (VCV001973747.6), dbSNP rs775580020, ClinGen allele CA056190.
Genomic context (GRCh38, chr11:47,349,784, plus strand): 5'-GGCTCTCCATGTCCCCTCTCTCCGTGTCTCCACGACCCCGGTGGACCCACCTTGCTGGCG[C>T]GGTCGTAGCTGTCGTGCAGCTGCAGGTGCTGGCCCACCTTGCTGCTCAGGTCCACCCATT-3'
Protein context (NP_000247.2, residues 205-225): QHLQLHDSYD[Arg215His]ASKVYLFELH